The following is an entry in ClinVar:

ClinVar aggregate classification (germline): Uncertain significance (1 of 4 stars; one submission).

Conditions:
Woodhouse-Sakati syndrome. Also called: Hypogonadism, diabetes mellitus, alopecia, mental retardation and electrocardiographic abnormalities; Hypogonadism, Alopecia, Diabetes Mellitus, Mental Retardation, and Extrapyramidal Syndrome; EXTRAPYRAMIDAL DISORDER, PROGRESSIVE, WITH PRIMARY HYPOGONADISM, MENTAL RETARDATION, AND ALOPECIA. Identifiers: Orphanet 3464, MedGen C0342286, MONDO:0009419, OMIM 241080.

Allele frequency attached by ClinVar (database versions not stated): gnomAD exomes below 0.00001; TOPMed below 0.00001; gnomAD 0.00001.
gnomAD v4.1: 2 of 1,613,208 alleles (0.00012%); highest among the groups gnomAD compares: East Asian, 0.0022%; no homozygotes.

Submission:

Labcorp Genetics (formerly Invitae), Labcorp
Classification: Uncertain significance for Woodhouse-Sakati syndrome. Last evaluated: 2022-06-27. Review status: criteria provided, single submitter. Criteria: Invitae Variant Classification Sherloc (09022015). Collection method: clinical testing. Allele origin: germline.
Comment: This sequence change replaces isoleucine, which is neutral and non-polar, with methionine, which is neutral and non-polar, at codon 133 of the DCAF17 protein (p.Ile133Met). This variant is not present in population databases (gnomAD no frequency). This variant has not been reported in the literature in individuals affected with DCAF17-related conditions. Algorithms developed to predict the effect of missense changes on protein structure and function are either unavailable or do not agree on the potential impact of this missense change (SIFT: "Deleterious"; PolyPhen-2: "Possibly Damaging"; Align-GVGD: "Class C0"). In summary, the available evidence is currently insufficient to determine the role of this variant in disease. Therefore, it has been classified as a Variant of Uncertain Significance.

NM_025000.4(DCAF17):c.399A>G (p.Ile133Met)

Gene: DCAF17 (DDB1 and CUL4 associated factor 17; plus strand). Cytogenetic location: 2q31.1.
Variant type: single nucleotide variant.
Coding change: c.399A>G on transcript NM_025000.4 (MANE Select); coding-DNA position 399, A replaced by G.
Protein change: p.Ile133Met; replaces isoleucine 133 with methionine.
Molecular consequence: missense variant. On other transcripts: non-coding transcript variant (1).
Genome position (GRCh38, 1-based): chr2:171,448,758, A>G. VCF-style: chr2-171448758-A-G. GRCh37 (hg19) VCF-style: chr2-172305268-A-G.
Other names: c.399A>G, p.Ile133Met (NM_001164821.2); short protein forms I133M.
Identifiers: ClinVar variation 1523368 (VCV001523368.3), dbSNP rs919541317, ClinGen allele CA60633971.